The following is an entry in ClinVar:

NM_199355.4(ADAMTS18):c.2954C>G (p.Ala985Gly)

Gene: ADAMTS18 (ADAM metallopeptidase with thrombospondin type 1 motif 18; minus strand). Cytogenetic location: 16q23.1.
Variant type: single nucleotide variant.
Coding change: c.2954C>G on transcript NM_199355.4 (MANE Select); coding-DNA position 2954, C replaced by G.
Protein change: p.Ala985Gly; replaces alanine 985 with glycine.
Molecular consequence: missense variant.
Genome position (GRCh38, 1-based): chr16:77,294,975, G>C on the plus strand (C>G on the coding strand, the complement: ADAMTS18 is on the minus strand). VCF-style: chr16-77294975-G-C. GRCh37 (hg19) VCF-style: chr16-77328872-G-C.
Other names: c.2438C>G, p.Ala813Gly (NM_001326358.2); short protein forms A985G, A813G.
Identifiers: ClinVar variation 736392 (VCV000736392.15), dbSNP rs147793662, ClinGen allele CA8180688.
Genomic context (GRCh38, chr16:77,294,975, plus strand): 5'-CCTGTTACCTGAGACCAGGGTCCAAGGCTCCATTGTGGAGGGCAGGCATGGCTGTTGCAG[G>C]CTTGGACCTGAGTGGGTGTGCTCACTGGACAGAGAGAATGCAACACTGCTTCCTCCTTTT-3'
Protein context (NP_955387.1, residues 975-995): CPVSTPTQVQ[Ala985Gly]CNSHACPPQW

ClinVar aggregate classification (germline): Likely benign. Review status: criteria provided, multiple submitters, no conflicts (2 of 4 stars). 4 submissions from 4 submitters: Likely benign (3). 1 of the submissions does not count toward it. Last evaluated 2026-01-19.

Conditions:
ADAMTS18-related disorder. Also called: ADAMTS18-related condition.

Allele frequency attached by ClinVar (database versions not stated): gnomAD 0.00054 and 0.00080; TOPMed 0.00055; 1000 Genomes Project 0.00060; 1000 Genomes Project 30x 0.00062; ESP Exome Variant Server 0.00062; ExAC 0.00074; gnomAD exomes 0.00090.
gnomAD v4.1: 1,010 of 1,614,170 alleles (0.063%); highest among the groups gnomAD compares: Middle Eastern, 0.41%; 4 homozygotes.

Submissions (4):

Labcorp Genetics (formerly Invitae), Labcorp
Classification: Likely benign. Last evaluated: 2026-01-19. Review status: criteria provided, single submitter. Criteria: Invitae Variant Classification Sherloc (09022015). Collection method: clinical testing. Allele origin: germline.

Blueprint Genetics
Classification: Likely benign. Last evaluated: 2024-11-26. Review status: criteria provided, single submitter. Criteria: ACMG Guidelines, 2015. Collection method: clinical testing. Allele origin: germline.

Breakthrough Genomics
Classification: Likely benign. Review status: criteria provided, single submitter. Criteria: ACMG Guidelines, 2015. Collection method: not provided. Allele origin: germline. Inheritance: Autosomal recessive inheritance. Affected: yes.

PreventionGenetics, part of Exact Sciences
Classification: Likely benign for ADAMTS18-related condition. Last evaluated: 2019-08-01. Review status: no assertion criteria provided. Collection method: clinical testing. Allele origin: germline. Not counted in ClinVar's aggregate classification.
Comment: This variant is classified as likely benign based on ACMG/AMP sequence variant interpretation guidelines (Richards et al. 2015 PMID: 25741868, with internal and published modifications).